The following is an entry in ClinVar:

ClinVar aggregate classification (germline): Uncertain significance. Review status: criteria provided, multiple submitters, no conflicts (2 of 4 stars). 2 submissions from 2 submitters: Uncertain significance (2). Last evaluated 2024-04-04.

Conditions:
Nemaline myopathy 2 (NEM2). Also called: Nemaline myopathy 2, autosomal recessive. Identifiers: MedGen C1850569, MONDO:0009725, OMIM 256030.

Allele frequency attached by ClinVar (database versions not stated): gnomAD exomes below 0.00001.
gnomAD v4.1: 1 of 1,608,688 alleles (0.000062%); highest among the groups gnomAD compares: African/African-American, 0.0013%; no homozygotes.

Submissions (2):

Women's Health and Genetics/Laboratory Corporation of America, LabCorp
Classification: Uncertain significance. Last evaluated: 2024-04-04. Review status: criteria provided, single submitter. Criteria: LabCorp Variant Classification Summary - May 2015. Collection method: clinical testing. Allele origin: germline.
Comment: Variant summary: NEB c.3022A>G (p.Asn1008Asp) results in a conservative amino acid change in the encoded protein sequence. Three of five in-silico tools predict a benign effect of the variant on protein function. The variant was absent in 248970 control chromosomes. The available data on variant occurrences in the general population are insufficient to allow any conclusion about variant significance. To our knowledge, no occurrence of c.3022A>G in individuals affected with Nemaline Myopathy 2 and no experimental evidence demonstrating its impact on protein function have been reported. ClinVar contains an entry for this variant (Variation ID: 643489). Based on the evidence outlined above, the variant was classified as uncertain significance.

Labcorp Genetics (formerly Invitae), Labcorp
Classification: Uncertain significance for Nemaline myopathy 2. Last evaluated: 2021-08-28. Review status: criteria provided, single submitter. Criteria: Invitae Variant Classification Sherloc (09022015). Collection method: clinical testing. Allele origin: germline.
Comment: This sequence change replaces asparagine with aspartic acid at codon 1008 of the NEB protein (p.Asn1008Asp). The asparagine residue is moderately conserved and there is a small physicochemical difference between asparagine and aspartic acid. This variant is not present in population databases (ExAC no frequency). This variant has not been reported in the literature in individuals affected with NEB-related conditions. Algorithms developed to predict the effect of missense changes on protein structure and function are either unavailable or do not agree on the potential impact of this missense change (SIFT: "Deleterious"; PolyPhen-2: "Not Available"; Align-GVGD: "Class C0"). In summary, the available evidence is currently insufficient to determine the role of this variant in disease. Therefore, it has been classified as a Variant of Uncertain Significance.

NM_001164508.2(NEB):c.3022A>G (p.Asn1008Asp)

Gene: NEB (nebulin; minus strand). Cytogenetic location: 2q23.3.
Variant type: single nucleotide variant.
Coding change: c.3022A>G on transcript NM_001164508.2 (MANE Select); coding-DNA position 3022, A replaced by G.
Protein change: p.Asn1008Asp; replaces asparagine 1008 with aspartic acid.
Molecular consequence: missense variant.
Genome position (GRCh38, 1-based): chr2:151,680,750, T>C on the plus strand (A>G on the coding strand, the complement: NEB is on the minus strand). VCF-style: chr2-151680750-T-C. GRCh37 (hg19) VCF-style: chr2-152537264-T-C.
Other names: c.3022A>G, p.Asn1008Asp (NM_001164507.2, NM_001271208.2, NM_004543.5); short protein forms N1008D.
Identifiers: ClinVar variation 643489 (VCV000643489.6), dbSNP rs1576128802, ClinGen allele CA348821028.